The following is an entry in ClinVar:

ClinVar aggregate classification (germline): Benign (0 of 4 stars; one submission).

Conditions:
PXDNL-related disorder. Also called: PXDNL-related condition.

Allele frequency attached by ClinVar (database versions not stated): ESP Exome Variant Server 0.11144; TOPMed 0.12323; ExAC 0.12826; 1000 Genomes Project 0.15395; 1000 Genomes Project 30x 0.15428.
gnomAD v4.1: 154,131 of 1,605,774 alleles (9.6%); highest among the groups gnomAD compares: East Asian, 28%; 8,819 homozygotes.

Submission:

PreventionGenetics, part of Exact Sciences
Classification: Benign for PXDNL-related condition. Last evaluated: 2019-11-26. Review status: no assertion criteria provided. Collection method: clinical testing. Allele origin: germline.
Comment: This variant is classified as benign based on ACMG/AMP sequence variant interpretation guidelines (Richards et al. 2015 PMID: 25741868, with internal and published modifications).

NM_144651.5(PXDNL):c.2498G>A (p.Ser833Asn)

Gene: PXDNL (peroxidasin like; minus strand). Cytogenetic location: 8q11.22.
Variant type: single nucleotide variant.
Coding change: c.2498G>A on transcript NM_144651.5 (MANE Select); coding-DNA position 2498, G replaced by A.
Protein change: p.Ser833Asn; replaces serine 833 with asparagine.
Molecular consequence: missense variant.
Genome position (GRCh38, 1-based): chr8:51,409,126, C>T on the plus strand (G>A on the coding strand, the complement: PXDNL is on the minus strand). VCF-style: chr8-51409126-C-T. GRCh37 (hg19) VCF-style: chr8-52321686-C-T.
Other names: short protein forms S833N.
Identifiers: ClinVar variation 3058873 (VCV003058873.2), dbSNP rs11985241, ClinGen allele CA4745025.